The following is an entry in ClinVar:

ClinVar aggregate classification (germline): Uncertain significance (1 of 4 stars; one submission).

Conditions:
Saldino-Mainzer syndrome (SRTD9). Also called: CONORENAL SYNDROME; Renal dysplasia, retinal pigmentary dystrophy, cerebellar ataxia and skeletal dysplasia; SHORT-RIB THORACIC DYSPLASIA 9 WITHOUT POLYDACTYLY; short-rib thoracic dysplasia 9 with or without polydactyly. Identifiers: Orphanet 140969, MedGen C1849437, MONDO:0009964, OMIM 266920.

Submission:

Labcorp Genetics (formerly Invitae), Labcorp
Classification: Uncertain significance for Saldino-Mainzer syndrome. Last evaluated: 2025-08-12. Review status: criteria provided, single submitter. Criteria: Invitae Variant Classification Sherloc (09022015). Collection method: clinical testing. Allele origin: germline.
Comment: This sequence change replaces valine, which is neutral and non-polar, with isoleucine, which is neutral and non-polar, at codon 535 of the IFT140 protein (p.Val535Ile). This variant is not present in population databases (gnomAD no frequency). This variant has not been reported in the literature in individuals affected with IFT140-related conditions. Invitae Evidence Modeling of protein sequence and biophysical properties (such as structural, functional, and spatial information, amino acid conservation, physicochemical variation, residue mobility, and thermodynamic stability) indicates that this missense variant is not expected to disrupt IFT140 protein function with a negative predictive value of 95%. In summary, the available evidence is currently insufficient to determine the role of this variant in disease. Therefore, it has been classified as a Variant of Uncertain Significance.

NM_014714.4(IFT140):c.1603G>A (p.Val535Ile)

Gene: IFT140 (intraflagellar transport 140; minus strand). Cytogenetic location: 16p13.3.
Variant type: single nucleotide variant.
Coding change: c.1603G>A on transcript NM_014714.4 (MANE Select); coding-DNA position 1603, G replaced by A.
Protein change: p.Val535Ile; replaces valine 535 with isoleucine.
Molecular consequence: missense variant.
Genome position (GRCh38, 1-based): chr16:1,571,456, C>T on the plus strand (G>A on the coding strand, the complement: IFT140 is on the minus strand). VCF-style: chr16-1571456-C-T. GRCh37 (hg19) VCF-style: chr16-1621457-C-T.
Other names: short protein forms V535I.
Identifiers: ClinVar variation 4810958 (VCV004810958.1).